The following is an entry in ClinVar:

NM_177438.3(DICER1):c.4570G>A (p.Val1524Met)

Gene: DICER1 (dicer 1, ribonuclease III; minus strand). Cytogenetic location: 14q32.13.
Variant type: single nucleotide variant.
Coding change: c.4570G>A on transcript NM_177438.3 (MANE Select); coding-DNA position 4570, G replaced by A.
Protein change: p.Val1524Met; replaces valine 1524 with methionine.
Molecular consequence: missense variant. On other transcripts: non-coding transcript variant (6).
Genome position (GRCh38, 1-based): chr14:95,096,350, C>T on the plus strand (G>A on the coding strand, the complement: DICER1 is on the minus strand). VCF-style: chr14-95096350-C-T. GRCh37 (hg19) VCF-style: chr14-95562687-C-T.
Other names: c.4570G>A, p.Val1524Met (NM_001195573.1, NM_001271282.3, NM_001291628.2 and 13 more transcripts); c.4288G>A, p.Val1430Met (NM_001395686.1); c.4165G>A, p.Val1389Met (NM_001395687.1, NM_001395688.1, NM_001395689.1 and 2 more transcripts); c.4003G>A, p.Val1335Met (NM_001395691.1); c.2887G>A, p.Val963Met (NM_001395697.1); short protein forms V1389M, V1524M, V1335M, V1430M, V963M.
Identifiers: ClinVar variation 2451739 (VCV002451739.2), dbSNP rs2542495780, ClinGen allele CA390867791.
Genomic context (GRCh38, chr14:95,096,350, plus strand): 5'-TGGACTGCTTTCCCGTGTCAACACCACAGTTTTCTTCTGATGGATTCCAGAACCCCACCA[C>T]AAAGTCATCTTCTTCAACAGCTTTGCTAGGATCCAGATAGCACATTGCATCCCAAGAGCT-3'
Protein context (NP_803187.1, residues 1514-1534): PSKAVEEDDF[Val1524Met]VGFWNPSEEN

ClinVar aggregate classification (germline): Uncertain significance (1 of 4 stars; one submission).

Conditions:
Hereditary cancer-predisposing syndrome. Also called: Neoplastic Syndromes, Hereditary; Tumor predisposition; Hereditary neoplastic syndrome; Hereditary Cancer Syndrome. Identifiers: Orphanet 140162, MedGen C0027672, MeSH D009386, MONDO:0015356.

Submission:

Ambry Genetics
Classification: Uncertain significance for Hereditary cancer-predisposing syndrome. Last evaluated: 2023-03-06. Review status: criteria provided, single submitter. Criteria: Ambry Variant Classification Scheme 2023. Collection method: clinical testing. Allele origin: germline.
Comment: The p.V1524M variant (also known as c.4570G>A), located in coding exon 22 of the DICER1 gene, results from a G to A substitution at nucleotide position 4570. The valine at codon 1524 is replaced by methionine, an amino acid with highly similar properties. This amino acid position is conserved. In addition, the in silico prediction for this alteration is inconclusive. Since supporting evidence is limited at this time, the clinical significance of this alteration remains unclear.